The following is an entry in ClinVar:

NM_006648.4(WNK2):c.5129C>G (p.Thr1710Arg)

Gene: WNK2 (WNK lysine deficient protein kinase 2; plus strand). Cytogenetic location: 9q22.31.
Variant type: single nucleotide variant.
Coding change: c.5129C>G on transcript NM_006648.4 (MANE Select); coding-DNA position 5129, C replaced by G.
Protein change: p.Thr1710Arg; replaces threonine 1710 with arginine.
Molecular consequence: missense variant.
Genome position (GRCh38, 1-based): chr9:93,292,594, C>G. VCF-style: chr9-93292594-C-G. GRCh37 (hg19) VCF-style: chr9-96054876-C-G.
Other names: c.5240C>G, p.Thr1747Arg (NM_001282394.3); short protein forms T1710R, T1747R.
Identifiers: ClinVar variation 4866592 (VCV004866592.1).

ClinVar aggregate classification (germline): Uncertain significance (1 of 4 stars; one submission).

Submission:

Ambry Genetics
Classification: Uncertain significance. Last evaluated: 2026-04-13. Review status: criteria provided, single submitter. Criteria: Ambry Variant Classification Scheme 2023. Collection method: clinical testing. Allele origin: germline.
Comment: The p.T1710R variant (also known as c.5129C>G), located in coding exon 22 of the WNK2 gene, results from a C to G substitution at nucleotide position 5129. The threonine at codon 1710 is replaced by arginine, an amino acid with similar properties. This amino acid position is conserved. In addition, this alteration is predicted to be tolerated by in silico analysis. Based on the available evidence, the clinical significance of this variant remains unclear.